The following is an entry in ClinVar:

NM_004260.4(RECQL4):c.3185G>C (p.Arg1062Pro)

Gene: RECQL4 (RecQ like helicase 4; minus strand). Cytogenetic location: 8q24.3.
Variant type: single nucleotide variant.
Coding change: c.3185G>C on transcript NM_004260.4 (MANE Select); coding-DNA position 3185, G replaced by C.
Protein change: p.Arg1062Pro; replaces arginine 1062 with proline.
Molecular consequence: missense variant.
Genome position (GRCh38, 1-based): chr8:144,512,195, C>G on the plus strand (G>C on the coding strand, the complement: RECQL4 is on the minus strand). VCF-style: chr8-144512195-C-G. GRCh37 (hg19) VCF-style: chr8-145737578-C-G.
Other names: short protein forms R1062P.
Identifiers: ClinVar variation 407001 (VCV000407001.7), dbSNP rs558058260, ClinGen allele CA16612371.

ClinVar aggregate classification (germline): Uncertain significance (1 of 4 stars; one submission).

Conditions:
Baller-Gerold syndrome (BGS). Also called: CRANIOSYNOSTOSIS WITH RADIAL DEFECTS. Identifiers: Orphanet 1225, MedGen C0265308, MONDO:0009039, OMIM 218600.

Allele frequency attached by ClinVar (database versions not stated): TOPMed 0.00001.
gnomAD v4.1: 11 of 1,611,678 alleles (0.00068%); highest among the groups gnomAD compares: Non-Finnish European, 0.00093%; no homozygotes.

Submission:

Labcorp Genetics (formerly Invitae), Labcorp
Classification: Uncertain significance for Baller-Gerold syndrome. Last evaluated: 2023-12-17. Review status: criteria provided, single submitter. Criteria: Invitae Variant Classification Sherloc (09022015). Collection method: clinical testing. Allele origin: germline.
Comment: This sequence change replaces arginine, which is basic and polar, with proline, which is neutral and non-polar, at codon 1062 of the RECQL4 protein (p.Arg1062Pro). This variant is not present in population databases (gnomAD no frequency). This variant has not been reported in the literature in individuals affected with RECQL4-related conditions. ClinVar contains an entry for this variant (Variation ID: 407001). Advanced modeling of protein sequence and biophysical properties (such as structural, functional, and spatial information, amino acid conservation, physicochemical variation, residue mobility, and thermodynamic stability) performed at Invitae indicates that this missense variant is expected to disrupt RECQL4 protein function with a positive predictive value of 80%. In summary, the available evidence is currently insufficient to determine the role of this variant in disease. Therefore, it has been classified as a Variant of Uncertain Significance.